The following is an entry in ClinVar:

NM_005618.4(DLL1):c.862+6C>A

Gene: DLL1 (delta like canonical Notch ligand 1; minus strand). Cytogenetic location: 6q27.
Variant type: single nucleotide variant.
Coding change: c.862+6C>A on transcript NM_005618.4 (MANE Select); 6 bases into the intron after coding-DNA position 862, C replaced by A.
Molecular consequence: intron variant.
Genome position (GRCh38, 1-based): chr6:170,285,563, G>T on the plus strand (C>A on the coding strand, the complement: DLL1 is on the minus strand). VCF-style: chr6-170285563-G-T. GRCh37 (hg19) VCF-style: chr6-170594651-G-T.
Other names: c.862+6C>A (NM_005618.3).
Identifiers: ClinVar variation 2167792 (VCV002167792.32), dbSNP rs190048473, ClinGen allele CA4107011.
Genomic context (GRCh38, chr6:170,285,563, plus strand): 5'-CAAACAGCCAGGGAAGTCCAGGGCTGCTCTGGAGGGAGCAGGCTGCCTCAGGGAGAGAAG[G>T]CTTACCCTGGTTGCAGAAAAGGCCCCCCCAGCCTTCCTGGCAGTTGCACTGCCAGGGCTG-3'

ClinVar aggregate classification (germline): Conflicting classifications of pathogenicity. Review status: criteria provided, conflicting classifications (1 of 4 stars). 3 submissions from 3 submitters: Uncertain significance (1); Likely benign (2). Last evaluated 2026-09-14.

Conditions:
Inborn genetic diseases. Identifiers: MedGen C0950123, MeSH D030342.

Allele frequency attached by ClinVar (database versions not stated): gnomAD 0.00009; ExAC 0.00010; TOPMed 0.00012; ESP Exome Variant Server 0.00015; 1000 Genomes Project 30x 0.00016; 1000 Genomes Project 0.00020.
gnomAD v4.1: 262 of 1,614,112 alleles (0.016%); highest among the groups gnomAD compares: Non-Finnish European, 0.02%; no homozygotes.

Submissions (3):

Ambry Genetics
Classification: Likely benign for Inborn genetic diseases. Last evaluated: 2026-09-14. Review status: criteria provided, single submitter. Criteria: Ambry Variant Classification Scheme 2023. Collection method: clinical testing. Allele origin: germline.

Labcorp Genetics (formerly Invitae), Labcorp
Classification: Uncertain significance. Last evaluated: 2025-08-18. Review status: criteria provided, single submitter. Criteria: Invitae Variant Classification Sherloc (09022015). Collection method: clinical testing. Allele origin: germline.
Comment: This sequence change falls in intron 6 of the DLL1 gene. It does not directly change the encoded amino acid sequence of the DLL1 protein. It affects a nucleotide within the consensus splice site. This variant is present in population databases (rs190048473, gnomAD 0.03%). This variant has not been reported in the literature in individuals affected with DLL1-related conditions. ClinVar contains an entry for this variant (Variation ID: 2167792). Variants that disrupt the consensus splice site are a relatively common cause of aberrant splicing (PMID: 17576681, 9536098). Algorithms developed to predict the effect of sequence changes on RNA splicing suggest that this variant is not likely to affect RNA splicing. In summary, the available evidence is currently insufficient to determine the role of this variant in disease. Therefore, it has been classified as a Variant of Uncertain Significance.

CeGaT Center for Human Genetics Tuebingen
Classification: Likely benign. Last evaluated: 2024-08-01. Review status: criteria provided, single submitter. Criteria: CeGaT Center For Human Genetics Tuebingen Variant Classification Criteria Version 2. Collection method: clinical testing. Allele origin: germline. Affected: yes. Observed: 2 variant alleles.
Comment: DLL1: BP4

Literature cited by the submitters: PubMed 17576681 (cited by Labcorp Genetics (formerly Invitae), Labcorp); PubMed 9536098 (cited by Labcorp Genetics (formerly Invitae), Labcorp).